The following is an entry in ClinVar:

NM_000257.4(MYH7):c.5302G>A (p.Glu1768Lys)

Genes: MYH7 (myosin heavy chain 7; minus strand), LOC126861897 (BRD4-independent group 4 enhancer GRCh37_chr14:23884455-23885654; plus strand). Cytogenetic location: 14q11.2.
Variant type: single nucleotide variant.
Coding change: c.5302G>A on transcript NM_000257.4 (MANE Select); coding-DNA position 5302, G replaced by A.
Protein change: p.Glu1768Lys; replaces glutamic acid 1768 with lysine.
Molecular consequence: missense variant.
Genome position (GRCh38, 1-based): chr14:23,415,252, C>T on the plus strand (G>A on the coding strand, the complement: MYH7 is on the minus strand). VCF-style: chr14-23415252-C-T. GRCh37 (hg19) VCF-style: chr14-23884461-C-T.
Other names: NM_000257.3(MYH7):c.5302G>A; short protein forms E1768K.
Identifiers: ClinVar variation 43059 (VCV000043059.16), dbSNP rs397516241, ClinGen allele CA015893.
Genomic context (GRCh38, chr14:23,415,252, plus strand): 5'-GTTCCATGTTCTTCTTCATGCGCTCCAGGTGGGCGCTGGTGTCCTGCTCCTTCTTCAGCT[C>T]CTCTGCCATCATGGCGGCCTGTGTGCAGGAGAGAGGTGGCACATGGTCTGGTCAAGTCCT-3'
Protein context (NP_000248.2, residues 1758-1778): AITDAAMMAE[Glu1768Lys]LKKEQDTSAH

ClinVar aggregate classification (germline): Uncertain significance. Review status: reviewed by expert panel (3 of 4 stars). 6 submissions from 6 submitters: Uncertain significance (1). 5 of the submissions do not count toward it. Last evaluated 2021-03-22.

Conditions:
MYH7-related disorder. Also called: MYH7-related disorders; MYH7-related condition; MYH7-related disease.
Hypertrophic cardiomyopathy. Also called: HYPERTROPHIC MYOCARDIOPATHY. Identifiers: Orphanet 217569, MedGen C0007194, MeSH D002312, MONDO:0005045, HP:0001639.

Submissions (6):

ClinGen Cardiomyopathy Variant Curation Expert Panel
Classification: Uncertain significance for Hypertrophic cardiomyopathy. Last evaluated: 2021-03-22. Review status: reviewed by expert panel. Criteria: ClinGen CMP ACMG Specifications v1. Collection method: curation. Allele origin: germline. Inheritance: Autosomal dominant inheritance.
Comment: The c.5302G>A (p.Glu1768Lys) variant in MYH7 has been identified in at least 7 individuals with HCM (PS4_Moderate; Van Driest 2004 PMID:15358028; Bos 2014 PMID:24793961; Murphy 2016 PMID:26914223; Berge 2014 PMID:24111713; Homburger 2016 PMID:27247418; Cecconi 2016 PMID:27600940; LMM SCV000059606.5). In vitro studies showed this variant had a slight effect on protein structure, but no effect on the ability to incorporate into muscle sarcomeres in an experimental system (Wolny 2013 PMID:24047955); however, this evidence is insufficient to apply PS3. Additionally this variant was absent from large population studies (PM2;, v.2.1.1). Computational prediction tools and conservation analysis suggest that this variant may impact the protein (PP3). In summary, due to insufficient evidence, this variant is classified as uncertain significance for hypertrophic cardiomyopathy in an autosomal dominant manner. MYH7-specific ACMG/AMP criteria applied (Kelly 2018 PMID:29300372): PS4_Moderate; PM2; PP3

Labcorp Genetics (formerly Invitae), Labcorp
Classification: Pathogenic for Hypertrophic cardiomyopathy. Last evaluated: 2024-04-22. Review status: criteria provided, single submitter. Criteria: Invitae Variant Classification Sherloc (09022015). Collection method: clinical testing. Allele origin: germline. Not counted in ClinVar's aggregate classification.
Comment: This sequence change replaces glutamic acid, which is acidic and polar, with lysine, which is basic and polar, at codon 1768 of the MYH7 protein (p.Glu1768Lys). This variant is not present in population databases (gnomAD no frequency). This missense change has been observed in individuals with clinical features of hypertrophic cardiomyopathy (PMID: 15358028, 24111713, 24510615, 27247418, 27600940). ClinVar contains an entry for this variant (Variation ID: 43059). Advanced modeling of protein sequence and biophysical properties (such as structural, functional, and spatial information, amino acid conservation, physicochemical variation, residue mobility, and thermodynamic stability) performed at Invitae indicates that this missense variant is expected to disrupt MYH7 protein function with a positive predictive value of 95%. Experimental studies are conflicting or provide insufficient evidence to determine the effect of this variant on MYH7 function (PMID: 24047955). For these reasons, this variant has been classified as Pathogenic.

Blueprint Genetics
Classification: Likely pathogenic for MYH7-related disorders. Last evaluated: 2023-08-08. Review status: criteria provided, single submitter. Criteria: ACMG Guidelines, 2015. Collection method: clinical testing. Allele origin: germline. Affected: yes. Observed: 2 variant alleles. Not counted in ClinVar's aggregate classification.

GeneDx
Classification: Uncertain significance. Last evaluated: 2015-12-21. Review status: criteria provided, single submitter. Criteria: GeneDx Variant Classification (06012015). Collection method: clinical testing. Allele origin: germline. Affected: yes. Not counted in ClinVar's aggregate classification.
Comment: The E1768K variant in the MYH7 gene has been reported previously in association with HCM and it was not observed in 400 control alleles from individuals of African American and Caucasian ethnic backgrounds (Van Driest et al., 2004). The E1768K variant was not observed in approximately 6,500 individuals of European and African American ancestry in the NHLBI Exome Sequencing Project, indicating it is not a common benign variant in these populations. E1768K results in a non-conservative amino acid substitution of a negatively charged Glutamic acid with a positively charged Lysine residue at a position that is highly conserved throughout evolution. Furthermore, missense variants in nearby residues (A1763T, A1766T, L1769M) have been reported in the Human Gene Mutation Database in association with HCM (Stenson et al., 2014). Additionally, E1768K has been observed in multiple unrelated individuals tested for HCM Nevertheless, functional studies show that the E1768K variant had MHC incorporation into myofibrils similar to wild type cells (Wolny et al., 2013). Finally, another clinical laboratory classifies E1768K as a variant of uncertain significance in ClinVar (Landrum et al., 2014).

Laboratory for Molecular Medicine, Mass General Brigham Personalized Medicine
Classification: Uncertain significance. Last evaluated: 2014-06-05. Review status: criteria provided, single submitter. Criteria: LMM Criteria. Collection method: clinical testing. Allele origin: germline. Observed: 2 variant alleles. Not counted in ClinVar's aggregate classification.
Comment: Variant classified as Uncertain Significance - Favor Pathogenic. It was absent from large population stud ies. Glutamic acid (Glu) at position 1768 is highly conserved in mammals and acr oss evolutionarily distant species and the change to lysine (Lys) was predicted to be pathogenic using a computational tool clinically validated by our laborato ry. This tool's pathogenic prediction is estimated to be correct 94% of the time (Jordan 2011). In summary, while there is some suspicion for a pathogenic role of this variant in disease, the clinical significance is uncertain.

Stanford Center for Inherited Cardiovascular Disease, Stanford University
Classification: Uncertain significance. Last evaluated: 2013-12-09. Review status: criteria provided, single submitter. Criteria: ACMG Guidelines, 2015. Collection method: provider interpretation. Allele origin: germline. Not counted in ClinVar's aggregate classification.

Literature cited by the submitters: PubMed 15358028 (cited by 3 submitters); PubMed 29300372 (cited by ClinGen Cardiomyopathy Variant Curation Expert Panel); PubMed 24111713 (cited by Labcorp Genetics (formerly Invitae), Labcorp); PubMed 24510615 (cited by Labcorp Genetics (formerly Invitae), Labcorp); PubMed 27247418 (cited by Labcorp Genetics (formerly Invitae), Labcorp); PubMed 27600940 (cited by Labcorp Genetics (formerly Invitae), Labcorp); PubMed 24047955 (cited by Labcorp Genetics (formerly Invitae), Labcorp and Laboratory for Molecular Medicine, Mass General Brigham Personalized Medicine).